The following is an entry in ClinVar:

ClinVar aggregate classification (germline): Uncertain significance (1 of 4 stars; one submission).

Submission:

Mayo Clinic Laboratories, Mayo Clinic
Classification: Uncertain significance. Last evaluated: 2025-06-06. Review status: criteria provided, single submitter. Criteria: ACMG Guidelines, 2015. Collection method: clinical testing. Allele origin: germline. Observed: 1 variant allele.
Comment: PP3, PM2_supporting

NM_020312.4(COQ9):c.304C>T (p.Arg102Cys)

Gene: COQ9 (coenzyme Q9; plus strand). Cytogenetic location: 16q21.
Variant type: single nucleotide variant.
Coding change: c.304C>T on transcript NM_020312.4 (MANE Select); coding-DNA position 304, C replaced by T.
Protein change: p.Arg102Cys; replaces arginine 102 with cysteine.
Molecular consequence: missense variant.
Genome position (GRCh38, 1-based): chr16:57,452,862, C>T. VCF-style: chr16-57452862-C-T. GRCh37 (hg19) VCF-style: chr16-57486774-C-T.
Other names: p.Arg102Cys; short protein forms R102C.
Identifiers: ClinVar variation 4542035 (VCV004542035.1).